The following is an entry in ClinVar:

NM_000179.3(MSH6):c.1228A>T (p.Met410Leu)

Gene: MSH6 (mutS homolog 6; plus strand). Cytogenetic location: 2p16.3.
Variant type: single nucleotide variant.
Coding change: c.1228A>T on transcript NM_000179.3 (MANE Select); coding-DNA position 1228, A replaced by T.
Protein change: p.Met410Leu; replaces methionine 410 with leucine.
Molecular consequence: missense variant. On other transcripts: non-coding transcript variant (4), intron variant (1).
Genome position (GRCh38, 1-based): chr2:47,799,211, A>T. VCF-style: chr2-47799211-A-T. GRCh37 (hg19) VCF-style: chr2-48026350-A-T.
Other names: c.322A>T, p.Met108Leu (NM_001406811.1, NM_001406812.1, NM_001406814.1 and 6 more transcripts); c.1234A>T, p.Met412Leu (NM_001406813.1); c.1228A>T, p.Met410Leu (NM_001406817.1, NM_001406800.1, NM_001406803.1 and 4 more transcripts); c.931A>T, p.Met311Leu (NM_001406818.1, NM_001406819.1, NM_001406830.1 and 10 more transcripts); c.628-1455A>T (NM_001407362.1); c.1324A>T, p.Met442Leu (NM_001406802.1, NM_001406795.1); c.1150A>T, p.Met384Leu (NM_001406804.1); c.703A>T, p.Met235Leu (NM_001406806.1, NM_001406807.1, NM_001406799.1); and 2 more; short protein forms M108L, M235L, M280L, M311L, M354L, M384L, M410L, M412L.
Identifiers: ClinVar variation 4860416 (VCV004860416.1).

ClinVar aggregate classification (germline): Uncertain significance (1 of 4 stars; one submission).

Conditions:
Hereditary cancer-predisposing syndrome. Also called: Neoplastic Syndromes, Hereditary; Tumor predisposition; Hereditary Cancer Syndrome; Hereditary neoplastic syndrome. Identifiers: Orphanet 140162, MedGen C0027672, MeSH D009386, MONDO:0015356.

Submission:

Ambry Genetics
Classification: Uncertain significance for Hereditary cancer-predisposing syndrome. Last evaluated: 2026-05-14. Review status: criteria provided, single submitter. Criteria: Ambry Variant Classification Scheme 2023. Collection method: clinical testing. Allele origin: germline.
Comment: The p.M410L variant (also known as c.1228A>T), located in coding exon 4 of the MSH6 gene, results from an A to T substitution at nucleotide position 1228. The methionine at codon 410 is replaced by leucine, an amino acid with highly similar properties. This amino acid position is conserved. In addition, this alteration is predicted to be deleterious by in silico analysis. Based on the available evidence, the clinical significance of this variant remains unclear.